The following is an entry in ClinVar:

NM_001164508.2(NEB):c.23630C>T (p.Thr7877Ile)

Genes: NEB (nebulin; minus strand), RIF1 (replication timing regulatory factor 1; plus strand). Cytogenetic location: 2q23.3.
Variant type: single nucleotide variant.
Coding change: c.23630C>T on transcript NM_001164508.2 (MANE Select); coding-DNA position 23630, C replaced by T.
Protein change: p.Thr7877Ile; replaces threonine 7877 with isoleucine.
Molecular consequence: missense variant.
Genome position (GRCh38, 1-based): chr2:151,506,185, G>A on the plus strand (C>T on the coding strand, the complement: NEB is on the minus strand). VCF-style: chr2-151506185-G-A. GRCh37 (hg19) VCF-style: chr2-152362699-G-A.
Other names: c.23630C>T, p.Thr7877Ile (NM_001164507.2); c.23735C>T, p.Thr7912Ile (NM_001271208.2); c.18527C>T, p.Thr6176Ile (NM_004543.5); c.18527C>T (NM_004543.4); short protein forms T7912I, T7877I, T6176I.
Identifiers: ClinVar variation 1360276 (VCV001360276.6), dbSNP rs772064998, ClinGen allele CA1906308.
Genomic context (GRCh38, chr2:151,506,185, plus strand): 5'-GGAGGCAGAAAATATTGCAAGTGCATTCACTGTGTCTTTACCGAGCTAATGTGGTCCTGT[G>A]TTTGTTTCACTCTCATCATCTCAGGTGTCTTTCCGATAGCCGTTCCTGGTGAGACATCCT-3'
Protein context (NP_001157980.2, residues 7867-7887): KTPEMMRVKQ[Thr7877Ile]QDHISSVKYK

ClinVar aggregate classification (germline): Uncertain significance. Review status: criteria provided, multiple submitters, no conflicts (2 of 4 stars). 2 submissions from 2 submitters: Uncertain significance (2). Last evaluated 2024-08-21.

Conditions:
Inborn genetic diseases. Identifiers: MedGen C0950123, MeSH D030342.
Nemaline myopathy 2 (NEM2). Also called: Nemaline myopathy 2, autosomal recessive. Identifiers: MedGen C1850569, MONDO:0009725, OMIM 256030.

Allele frequency attached by ClinVar (database versions not stated): gnomAD exomes below 0.00001; TOPMed below 0.00001; ExAC 0.00002; gnomAD 0.00002 and 0.00003.
gnomAD v4.1: 6 of 1,612,710 alleles (0.00037%); highest among the groups gnomAD compares: Admixed American, 0.005%; no homozygotes.

Submissions (2):

Ambry Genetics
Classification: Uncertain significance for Inborn genetic diseases. Last evaluated: 2024-08-21. Review status: criteria provided, single submitter. Criteria: Ambry Variant Classification Scheme 2023. Collection method: clinical testing. Allele origin: germline.

Labcorp Genetics (formerly Invitae), Labcorp
Classification: Uncertain significance for Nemaline myopathy 2. Last evaluated: 2021-08-27. Review status: criteria provided, single submitter. Criteria: Invitae Variant Classification Sherloc (09022015). Collection method: clinical testing. Allele origin: germline.
Comment: This sequence change replaces threonine with isoleucine at codon 7912 of the NEB protein (p.Thr7912Ile). The threonine residue is moderately conserved and there is a moderate physicochemical difference between threonine and isoleucine. This variant is present in population databases (rs772064998, ExAC 0.01%). This variant has not been reported in the literature in individuals affected with NEB-related conditions. Algorithms developed to predict the effect of missense changes on protein structure and function are either unavailable or do not agree on the potential impact of this missense change (SIFT: "Deleterious"; PolyPhen-2: "Not Available"; Align-GVGD: "Class C0"). In summary, the available evidence is currently insufficient to determine the role of this variant in disease. Therefore, it has been classified as a Variant of Uncertain Significance.